The following is an entry in ClinVar:

ClinVar aggregate classification (germline): Uncertain significance. Review status: criteria provided, multiple submitters, no conflicts (2 of 4 stars). 2 submissions from 2 submitters: Uncertain significance (2). Last evaluated 2024-04-15.

Conditions:
Early-infantile DEE. Also called: Ohtahara syndrome; Early infantile epileptic encephalopathy with suppression bursts; Early infantile epileptic encephalopathy. Identifiers: Orphanet 1934, MedGen C0393706, MONDO:0800491.

Allele frequency attached by ClinVar (database versions not stated): TOPMed below 0.00001; gnomAD 0.00001.
gnomAD v4.1: 1 of 1,613,998 alleles (0.000062%); highest among the groups gnomAD compares: Non-Finnish European, 0.000085%; no homozygotes.

Submissions (2):

Women's Health and Genetics/Laboratory Corporation of America, LabCorp
Classification: Uncertain significance. Last evaluated: 2024-04-15. Review status: criteria provided, single submitter. Criteria: LabCorp Variant Classification Summary - May 2015. Collection method: clinical testing. Allele origin: germline.
Comment: Variant summary: SPTAN1 c.4397C>A (p.Ala1466Asp) results in a non-conservative amino acid change in the encoded protein sequence. Three of five in-silico tools predict a damaging effect of the variant on protein function. The variant was absent in 251428 control chromosomes. The available data on variant occurrences in the general population are insufficient to allow any conclusion about variant significance. To our knowledge, no occurrence of c.4397C>A in individuals affected with Epileptic Encephalopathy, Early Infantile, 5 and no experimental evidence demonstrating its impact on protein function have been reported. No submitters have cited clinical-significance assessments for this variant to ClinVar. Based on the evidence outlined above, the variant was classified as uncertain significance.

Labcorp Genetics (formerly Invitae), Labcorp
Classification: Uncertain significance for Early-infantile DEE. Last evaluated: 2022-11-07. Review status: criteria provided, single submitter. Criteria: Invitae Variant Classification Sherloc (09022015). Collection method: clinical testing. Allele origin: germline.
Comment: This sequence change replaces alanine, which is neutral and non-polar, with aspartic acid, which is acidic and polar, at codon 1466 of the SPTAN1 protein (p.Ala1466Asp). This variant is not present in population databases (gnomAD no frequency). This variant has not been reported in the literature in individuals affected with SPTAN1-related conditions. Algorithms developed to predict the effect of missense changes on protein structure and function (SIFT, PolyPhen-2, Align-GVGD) all suggest that this variant is likely to be disruptive. In summary, the available evidence is currently insufficient to determine the role of this variant in disease. Therefore, it has been classified as a Variant of Uncertain Significance.

NM_001130438.3(SPTAN1):c.4397C>A (p.Ala1466Asp)

Gene: SPTAN1 (spectrin alpha, non-erythrocytic 1; plus strand). Cytogenetic location: 9q34.11.
Variant type: single nucleotide variant.
Coding change: c.4397C>A on transcript NM_001130438.3 (MANE Select); coding-DNA position 4397, C replaced by A.
Protein change: p.Ala1466Asp; replaces alanine 1466 with aspartic acid.
Molecular consequence: missense variant.
Genome position (GRCh38, 1-based): chr9:128,608,182, C>A. VCF-style: chr9-128608182-C-A. GRCh37 (hg19) VCF-style: chr9-131370461-C-A.
Other names: c.4397C>A, p.Ala1466Asp (NM_003127.4, NM_001363759.2, NM_001375310.1 and 2 more transcripts); c.4337C>A, p.Ala1446Asp (NM_001195532.2, NM_001363765.2, NM_001375314.2); c.4433C>A, p.Ala1478Asp (NM_001375312.2, NM_001375318.1); short protein forms A1466D, A1478D, A1446D.
Identifiers: ClinVar variation 2896939 (VCV002896939.4), dbSNP rs1856140147, ClinGen allele CA375067011.
Genomic context (GRCh38, chr9:128,608,182, plus strand): 5'-CTCTTTAGCTGTTCCATCGGGACTGTGAGCAAGCTGAGAACTGGATGGCTGCCCGGGAGG[C>A]CTTCTTGAATACCGAAGACAAAGGAGACTCACTGGACAGCGTAGAGGCTCTGATCAAAAA-3'
Protein context (NP_001123910.1, residues 1456-1476): QAENWMAARE[Ala1466Asp]FLNTEDKGDS